The following is an entry in ClinVar:

ClinVar aggregate classification (germline): Uncertain significance (1 of 4 stars; one submission).

Conditions:
Short-rib thoracic dysplasia 6 with or without polydactyly (SRTD6). Also called: Majewski Syndrome; SHORT RIB-POLYDACTYLY SYNDROME, TYPE IIA; SHORT-RIB THORACIC DYSPLASIA 6 WITH POLYDACTYLY; SHORT-RIB THORACIC DYSPLASIA 6 WITHOUT POLYDACTYLY; POLYDACTYLY WITH NEONATAL CHONDRODYSTROPHY, TYPE II. Identifiers: MedGen C0024507, MONDO:0009894, OMIM 263520.

Submission:

Labcorp Genetics (formerly Invitae), Labcorp
Classification: Uncertain significance for Short-rib thoracic dysplasia 6 with or without polydactyly. Last evaluated: 2022-07-19. Review status: criteria provided, single submitter. Criteria: Invitae Variant Classification Sherloc (09022015). Collection method: clinical testing. Allele origin: germline.
Comment: This sequence change replaces aspartic acid, which is acidic and polar, with glycine, which is neutral and non-polar, at codon 1084 of the NEK1 protein (p.Asp1084Gly). This variant is not present in population databases (gnomAD no frequency). This variant has not been reported in the literature in individuals affected with NEK1-related conditions. Advanced modeling of protein sequence and biophysical properties (such as structural, functional, and spatial information, amino acid conservation, physicochemical variation, residue mobility, and thermodynamic stability) performed at Invitae indicates that this missense variant is not expected to disrupt NEK1 protein function. Algorithms developed to predict the effect of sequence changes on RNA splicing suggest that this variant may create or strengthen a splice site. In summary, the available evidence is currently insufficient to determine the role of this variant in disease. Therefore, it has been classified as a Variant of Uncertain Significance.

NM_001199397.3(NEK1):c.3335A>G (p.Asp1112Gly)

Gene: NEK1 (NIMA related kinase 1; minus strand). Cytogenetic location: 4q33.
Variant type: single nucleotide variant.
Coding change: c.3335A>G on transcript NM_001199397.3 (MANE Select); coding-DNA position 3335, A replaced by G.
Protein change: p.Asp1112Gly; replaces aspartic acid 1112 with glycine.
Molecular consequence: missense variant. On other transcripts: non-coding transcript variant (1).
Genome position (GRCh38, 1-based): chr4:169,406,635, T>C on the plus strand (A>G on the coding strand, the complement: NEK1 is on the minus strand). VCF-style: chr4-169406635-T-C. GRCh37 (hg19) VCF-style: chr4-170327786-T-C.
Other names: c.3203A>G, p.Asp1068Gly (NM_001199398.3); c.3044A>G, p.Asp1015Gly (NM_001199399.3); c.3119A>G, p.Asp1040Gly (NM_001199400.3); c.3335A>G, p.Asp1112Gly (NM_001374418.1); c.3251A>G, p.Asp1084Gly (NM_001374419.1, NM_012224.4); c.3200A>G, p.Asp1067Gly (NM_001374420.1); c.2852A>G, p.Asp951Gly (NM_001374421.1); short protein forms D1067G, D1084G, D1040G, D1068G, D1112G, D1015G, D951G.
Identifiers: ClinVar variation 2097865 (VCV002097865.4), dbSNP rs751985072, ClinGen allele CA358800852.
Genomic context (GRCh38, chr4:169,406,635, plus strand): 5'-TACTAATGACATTATACTTACATGTCTTCAGAATCAGAAGGTCCTTCTTTAATGTTTTCA[T>C]CTTCAATTTCATCTATTTCAAGATTGTCTTGACGAACATCTCCTACGGTGGGAACATCCA-3'
Protein context (NP_001186326.1, residues 1102-1122): QDNLEIDEIE[Asp1112Gly]ENIKEGPSDS